The following is an entry in ClinVar:

NM_007194.4(CHEK2):c.651del (p.Asp218fs)

Gene: CHEK2 (checkpoint kinase 2; minus strand). Cytogenetic location: 22q12.1.
Variant type: Deletion.
Coding change: c.651del on transcript NM_007194.4 (MANE Select); coding-DNA position 651, one base deleted (A; older notation c.651delA).
Protein change: p.Asp218fs; shifts the reading frame from aspartic acid 218.
Molecular consequence: frameshift variant. On other transcripts: 5 prime UTR variant (2), intron variant (1).
Genome position (GRCh38, 1-based): chr22:28,719,427, T deleted on the plus strand (A on the coding strand, the reverse complement: CHEK2 is on the minus strand). VCF-style (leftmost placement, unchanged base first): chr22-28719426-CT-C. GRCh37 (hg19) VCF-style: chr22-29115414-CT-C.
Other names: c.780del, p.Asp261fs (NM_001005735.3, NM_001438294.1); c.-13del (NM_001257387.3, NM_001437942.1); c.744del, p.Asp249fs (NM_001438293.1, NM_001438295.1); c.651del, p.Asp218fs (NM_145862.3); c.482+5459del (NM_001349956.3); short protein forms D261fs, D218fs, D249fs.
Identifiers: ClinVar variation 3492172 (VCV003492172.2).

ClinVar aggregate classification (germline): Pathogenic. Review status: criteria provided, multiple submitters, no conflicts (2 of 4 stars). 2 submissions from 2 submitters: Pathogenic (2). Last evaluated 2025-06-09.

Conditions:
Familial cancer of breast. Also called: BREAST CANCER, FAMILIAL; Hereditary breast cancer; hereditary breast carcinoma. Identifiers: Orphanet 227535, MedGen C0346153, MONDO:0016419, OMIM 114480. Disease mechanism: loss of function.
Hereditary cancer-predisposing syndrome. Also called: Tumor predisposition; Neoplastic Syndromes, Hereditary; Hereditary Cancer Syndrome; Hereditary neoplastic syndrome. Identifiers: Orphanet 140162, MedGen C0027672, MeSH D009386, MONDO:0015356.

Submissions (2):

Labcorp Genetics (formerly Invitae), Labcorp
Classification: Pathogenic for Familial cancer of breast. Last evaluated: 2025-06-09. Review status: criteria provided, single submitter. Criteria: Invitae Variant Classification Sherloc (09022015). Collection method: clinical testing. Allele origin: germline.
Comment: This sequence change creates a premature translational stop signal (p.Asp218Metfs*17) in the CHEK2 gene. It is expected to result in an absent or disrupted protein product. Loss-of-function variants in CHEK2 are known to be pathogenic (PMID: 21876083, 24713400). This variant is not present in population databases (gnomAD no frequency). This variant has not been reported in the literature in individuals affected with CHEK2-related conditions. ClinVar contains an entry for this variant (Variation ID: 3492172). For these reasons, this variant has been classified as Pathogenic.

Ambry Genetics
Classification: Pathogenic for Hereditary cancer-predisposing syndrome. Last evaluated: 2024-07-17. Review status: criteria provided, single submitter. Criteria: Ambry Variant Classification Scheme 2023. Collection method: clinical testing. Allele origin: germline.
Comment: The c.651delA pathogenic mutation, located in coding exon 4 of the CHEK2 gene, results from a deletion of one nucleotide at nucleotide position 651, causing a translational frameshift with a predicted alternate stop codon (p.D218Mfs*17). This variant is considered to be rare based on population cohorts in the Genome Aggregation Database (gnomAD). This alteration is expected to result in loss of function by premature protein truncation or nonsense-mediated mRNA decay. As such, this alteration is interpreted as a disease-causing mutation.

Literature cited by the submitters: PubMed 21876083 (cited by Labcorp Genetics (formerly Invitae), Labcorp); PubMed 24713400 (cited by Labcorp Genetics (formerly Invitae), Labcorp).